The following is an entry in ClinVar:

ClinVar aggregate classification (germline): Conflicting classifications of pathogenicity. Review status: criteria provided, conflicting classifications (1 of 4 stars). 3 submissions from 3 submitters: Pathogenic (1); Uncertain significance (1). 1 of the submissions does not count toward it. Last evaluated 2026-07-17.

Conditions:
Alkaptonuria (AKU). Also called: Alcaptonuria; HOMOGENTISIC ACID OXIDASE DEFICIENCY; Homogentisic acidura; Alkaptonuric ochronosis. Identifiers: Orphanet 56, MedGen C0002066, MONDO:0008753, OMIM 203500.

Allele frequency attached by ClinVar (database versions not stated): gnomAD exomes below 0.00001; ExAC 0.00001.
gnomAD v4.1: 4 of 1,614,106 alleles (0.00025%); highest among the groups gnomAD compares: African/African-American, 0.0013%; no homozygotes.

Submissions (3):

Myriad Genetics, Inc.
Classification: Uncertain significance for Alkaptonuria. Last evaluated: 2026-07-17. Review status: criteria provided, single submitter. Criteria: Myriad Autosomal Dominant, Autosomal Recessive and X-Linked Classification Criteria (2023). Collection method: clinical testing. Allele origin: unknown.
Comment: NM_000187.3(HGD):c.773A>C(Q258P) is a missense variant classified as a variant of uncertain significance in the context of alkaptonuria. Q258P has been observed in cases with relevant disease (PMID: 19862842). Relevant functional assessments of this variant are not available in the literature. Q258P has not been observed in referenced population frequency databases. In summary, there is insufficient evidence to classify NM_000187.3(HGD):c.773A>C(Q258P) as pathogenic or benign. Please note: this variant was assessed in the context of healthy population screening.

Genomic Medicine Center of Excellence, King Faisal Specialist Hospital and Research Centre
Classification: Pathogenic for Alkaptonuria. Last evaluated: 2025-09-10. Review status: criteria provided, single submitter. Criteria: ACMG Guidelines, 2015. Collection method: clinical testing. Allele origin: germline.

Department Of Human Genetics, Institute Of Clinical And Translational Research, Biomedical Research Center, Slovak Academy Of Sciences
Classification: Pathogenic for Alkaptonuria. Review status: no assertion criteria provided. Collection method: research. Allele origin: germline. Inheritance: Autosomal recessive inheritance. Affected: yes. Observed: 2 variant alleles. Not counted in ClinVar's aggregate classification.
Comment: The variant was originally described in AKU patient in PMID:12501223. It has been submitted to the HGD gene mutation database (DB-ID: AKU_00077).

Literature cited by the submitters: PubMed 19862842 (cited by Myriad Genetics, Inc.); PubMed 12501223 (cited by Department Of Human Genetics, Institute Of Clinical And Translational Research, Biomedical Research Center, Slovak Academy Of Sciences).

NM_000187.4(HGD):c.773A>C (p.Gln258Pro)

Gene: HGD (homogentisate 1,2-dioxygenase; minus strand). Cytogenetic location: 3q13.33.
Variant type: single nucleotide variant.
Coding change: c.773A>C on transcript NM_000187.4 (MANE Select); coding-DNA position 773, A replaced by C.
Protein change: p.Gln258Pro; replaces glutamine 258 with proline.
Molecular consequence: missense variant.
Genome position (GRCh38, 1-based): chr3:120,644,320, T>G on the plus strand (A>C on the coding strand, the complement: HGD is on the minus strand). VCF-style: chr3-120644320-T-G. GRCh37 (hg19) VCF-style: chr3-120363167-T-G.
Other names: short protein forms Q258P.
Identifiers: ClinVar variation 2627697 (VCV002627697.3), dbSNP rs759843592, ClinGen allele CA2560078.